The following is an entry in ClinVar:

NM_001042475.3(CEP85L):c.1568A>G (p.Asp523Gly)

Gene: CEP85L (centrosomal protein 85 like; minus strand). Cytogenetic location: 6q22.31.
Variant type: single nucleotide variant.
Coding change: c.1568A>G on transcript NM_001042475.3 (MANE Select); coding-DNA position 1568, A replaced by G.
Protein change: p.Asp523Gly; replaces aspartic acid 523 with glycine.
Molecular consequence: missense variant.
Genome position (GRCh38, 1-based): chr6:118,483,728, T>C on the plus strand (A>G on the coding strand, the complement: CEP85L is on the minus strand). VCF-style: chr6-118483728-T-C. GRCh37 (hg19) VCF-style: chr6-118804891-T-C.
Other names: c.1577A>G, p.Asp526Gly (NM_001178035.2); short protein forms D523G, D526G.
Identifiers: ClinVar variation 2499762 (VCV002499762.1), dbSNP rs1459879319, ClinGen allele CA365543396.

ClinVar aggregate classification (germline): Uncertain significance (1 of 4 stars; one submission).

Allele frequency attached by ClinVar (database versions not stated): TOPMed 0.00001.
gnomAD v4.1: 1 of 1,613,328 alleles (0.000062%); no homozygotes.

Submission:

GeneDx
Classification: Uncertain significance. Last evaluated: 2022-10-21. Review status: criteria provided, single submitter. Criteria: GeneDx Variant Classification Process June 2021. Collection method: clinical testing. Allele origin: germline. Affected: yes.
Comment: Not observed at significant frequency in large population cohorts (gnomAD); In silico analysis supports that this missense variant has a deleterious effect on protein structure/function; Has not been previously published as pathogenic or benign to our knowledge